The following is an entry in ClinVar:

NM_002335.4(LRP5):c.3592C>T (p.Leu1198Phe)

Gene: LRP5 (LDL receptor related protein 5; plus strand). Cytogenetic location: 11q13.2.
Variant type: single nucleotide variant.
Coding change: c.3592C>T on transcript NM_002335.4 (MANE Select); coding-DNA position 3592, C replaced by T.
Protein change: p.Leu1198Phe; replaces leucine 1198 with phenylalanine.
Molecular consequence: missense variant.
Genome position (GRCh38, 1-based): chr11:68,426,142, C>T. VCF-style: chr11-68426142-C-T. GRCh37 (hg19) VCF-style: chr11-68193610-C-T.
Other names: c.3592C>T (NM_002335.3); c.1849C>T, p.Leu617Phe (NM_001291902.2); short protein forms L1198F, L617F.
Identifiers: ClinVar variation 1307962 (VCV001307962.10), dbSNP rs1287001576, ClinGen allele CA381622008.

ClinVar aggregate classification (germline): Uncertain significance. Review status: criteria provided, multiple submitters, no conflicts (2 of 4 stars). 3 submissions from 3 submitters: Uncertain significance (3). Last evaluated 2026-04-17.

Conditions:
LRP5-related disorder. Also called: LRP5-related condition.

gnomAD v4.1: 2 of 1,612,982 alleles (0.00012%); highest among the groups gnomAD compares: East Asian, 0.0022%; no homozygotes.

Submissions (3):

PreventionGenetics, part of Exact Sciences
Classification: Uncertain significance for LRP5-related condition. Last evaluated: 2026-04-17. Review status: criteria provided, single submitter. Criteria: ACMG Guidelines, 2015. Collection method: clinical testing. Allele origin: germline.
Comment: The LRP5 c.3592C>T variant is predicted to result in the amino acid substitution p.Leu1198Phe. To our knowledge, this variant has not been reported in the literature or in a large population database (gnomAD), indicating this variant is rare. At this time, the clinical significance of this variant is uncertain due to the absence of conclusive functional and genetic evidence.

Labcorp Genetics (formerly Invitae), Labcorp
Classification: Uncertain significance. Last evaluated: 2024-12-16. Review status: criteria provided, single submitter. Criteria: Invitae Variant Classification Sherloc (09022015). Collection method: clinical testing. Allele origin: germline.
Comment: This sequence change replaces leucine, which is neutral and non-polar, with phenylalanine, which is neutral and non-polar, at codon 1198 of the LRP5 protein (p.Leu1198Phe). This variant is not present in population databases (gnomAD no frequency). This variant has not been reported in the literature in individuals affected with LRP5-related conditions. ClinVar contains an entry for this variant (Variation ID: 1307962). Invitae Evidence Modeling of protein sequence and biophysical properties (such as structural, functional, and spatial information, amino acid conservation, physicochemical variation, residue mobility, and thermodynamic stability) indicates that this missense variant is not expected to disrupt LRP5 protein function with a negative predictive value of 95%. In summary, the available evidence is currently insufficient to determine the role of this variant in disease. Therefore, it has been classified as a Variant of Uncertain Significance.

GeneDx
Classification: Uncertain significance. Last evaluated: 2020-11-23. Review status: criteria provided, single submitter. Criteria: GeneDx Variant Classification Process June 2021. Collection method: clinical testing. Allele origin: germline. Affected: yes.
Comment: Not observed in large population cohorts (Lek et al., 2016); In silico analysis, which includes protein predictors and evolutionary conservation, supports a deleterious effect; Has not been previously published as pathogenic or benign to our knowledge